The following is an entry in ClinVar:

NM_000717.5(CA4):c.934C>T (p.Arg312Ter)

Gene: CA4 (carbonic anhydrase 4; plus strand). Cytogenetic location: 17q23.1.
Variant type: single nucleotide variant.
Coding change: c.934C>T on transcript NM_000717.5 (MANE Select); coding-DNA position 934, C replaced by T.
Protein change: p.Arg312Ter; replaces arginine 312 with a stop codon.
Molecular consequence: nonsense. On other transcripts: non-coding transcript variant (1).
Genome position (GRCh38, 1-based): chr17:60,159,419, C>T. VCF-style: chr17-60159419-C-T. GRCh37 (hg19) VCF-style: chr17-58236780-C-T.
Other names: short protein forms R312*.
Identifiers: ClinVar variation 2171915 (VCV002171915.4), dbSNP rs545060770, ClinGen allele CA8685575.

ClinVar aggregate classification (germline): Uncertain significance (1 of 4 stars; one submission).

Allele frequency attached by ClinVar (database versions not stated): 1000 Genomes Project 30x 0.00016; 1000 Genomes Project 0.00020.
gnomAD v4.1: 11 of 1,611,426 alleles (0.00068%); highest among the groups gnomAD compares: East Asian, 0.0022%; no homozygotes.

Submission:

Labcorp Genetics (formerly Invitae), Labcorp
Classification: Uncertain significance. Last evaluated: 2022-04-12. Review status: criteria provided, single submitter. Criteria: Invitae Variant Classification Sherloc (09022015). Collection method: clinical testing. Allele origin: germline.
Comment: In summary, the available evidence is currently insufficient to determine the role of this variant in disease. Therefore, it has been classified as a Variant of Uncertain Significance. Experimental studies and prediction algorithms are not available or were not evaluated, and the functional significance of this variant is currently unknown. This variant has not been reported in the literature in individuals affected with CA4-related conditions. This variant is present in population databases (rs545060770, gnomAD 0.003%). This sequence change creates a premature translational stop signal (p.Arg312*) in the CA4 gene. While this is not anticipated to result in nonsense mediated decay, it is expected to disrupt the last 1 amino acid(s) of the CA4 protein.